The following is an entry in ClinVar:

ClinVar aggregate classification (germline): Uncertain significance. Review status: criteria provided, multiple submitters, no conflicts (2 of 4 stars). 4 submissions from 4 submitters: Uncertain significance (4). Last evaluated 2024-02-07.

Conditions:
Autoinflammatory syndrome. Identifiers: Orphanet 93665, MedGen C3890737, MONDO:0019751.
Porokeratosis 3, disseminated superficial actinic type (POROK3). Also called: POROKERATOSIS, DISSEMINATED SUPERFICIAL ACTINIC, 1; POROKERATOSIS 3, MULTIPLE TYPES; POROKERATOSIS 3, MIBELLI TYPE. Identifiers: MedGen C1867981, MONDO:0008293, OMIM 175900.
Hyperimmunoglobulin D with periodic fever (HIDS). Also called: Hyperimmunoglobulinemia D; HYPERIMMUNOGLOBULINEMIA D AND PERIODIC FEVER SYNDROME; Hyperimmunoglobulinemia D with periodic fever. Identifiers: Orphanet 343, MedGen C0398691, MONDO:0009849, OMIM 260920.
Mevalonic aciduria (MEVA). Identifiers: Orphanet 29, MedGen C1959626, MONDO:0012481, OMIM 610377.

Allele frequency attached by ClinVar (database versions not stated): gnomAD exomes below 0.00001.
gnomAD v4.1: 1 of 1,614,218 alleles (0.000062%); highest among the groups gnomAD compares: Non-Finnish European, 0.000085%; no homozygotes.

Submissions (4):

Fulgent Genetics
Classification: Uncertain significance for Porokeratosis 3, disseminated superficial actinic type; Hyperimmunoglobulin D with periodic fever; Mevalonic aciduria. Last evaluated: 2024-02-07. Review status: criteria provided, single submitter. Criteria: ACMG Guidelines, 2015. Collection method: clinical testing. Allele origin: germline.

Blueprint Genetics
Classification: Uncertain significance. Last evaluated: 2023-07-21. Review status: criteria provided, single submitter. Criteria: ACMG Guidelines, 2015. Collection method: clinical testing. Allele origin: germline.

Dubai Health Genomic Medicine Center, Dubai Health
Classification: Uncertain significance. Last evaluated: 2020-06-21. Review status: criteria provided, single submitter. Criteria: ACMG Guidelines, 2015. Collection method: clinical testing. Allele origin: germline. Affected: yes.
Comment: The p.Ala245Ser missense variant in MVK has not been previously reported in affected individuals and is absent from large population studies such as the Genome Aggregation Database (gnomAD) and the Greater Middle East (GME) Variome Database. Computational prediction tools and conservation analyses do not suggest an impact to protein function though this information is not predictive enough to rule pathogenicity. In summary additional information is needed to fully assess the clinical significance of this variant.

Genome Diagnostics Laboratory, The Hospital for Sick Children
Classification: Uncertain significance for Autoinflammatory syndrome. Last evaluated: 2017-06-15. Review status: criteria provided, single submitter. Criteria: ACMG Guidelines, 2015. Collection method: clinical testing. Allele origin: germline. Affected: yes.

NM_000431.4(MVK):c.733G>T (p.Ala245Ser)

Gene: MVK (mevalonate kinase; plus strand). Cytogenetic location: 12q24.11.
Variant type: single nucleotide variant.
Coding change: c.733G>T on transcript NM_000431.4 (MANE Select); coding-DNA position 733, G replaced by T.
Protein change: p.Ala245Ser; replaces alanine 245 with serine.
Molecular consequence: missense variant.
Genome position (GRCh38, 1-based): chr12:109,590,826, G>T. VCF-style: chr12-109590826-G-T. GRCh37 (hg19) VCF-style: chr12-110028631-G-T.
Other names: c.733G>T, p.Ala245Ser (NM_001114185.3); c.577G>T, p.Ala193Ser (NM_001301182.2); short protein forms A193S, A245S.
Identifiers: ClinVar variation 1301848 (VCV001301848.7), dbSNP rs2136245024, ClinGen allele CA386649076.